The following is an entry in ClinVar:

NM_000088.4(COL1A1):c.4364G>C (p.Gly1455Ala)

Gene: COL1A1 (collagen type I alpha 1 chain; minus strand). Cytogenetic location: 17q21.33.
Variant type: single nucleotide variant.
Coding change: c.4364G>C on transcript NM_000088.4 (MANE Select); coding-DNA position 4364, G replaced by C.
Protein change: p.Gly1455Ala; replaces glycine 1455 with alanine.
Molecular consequence: missense variant.
Genome position (GRCh38, 1-based): chr17:50,185,533, C>G on the plus strand (G>C on the coding strand, the complement: COL1A1 is on the minus strand). VCF-style: chr17-50185533-C-G. GRCh37 (hg19) VCF-style: chr17-48262894-C-G.
Other names: short protein forms G1455A.
Identifiers: ClinVar variation 3384575 (VCV003384575.2).

ClinVar aggregate classification (germline): Uncertain significance (1 of 4 stars; one submission).

gnomAD v4.1: 2 of 1,613,186 alleles (0.00012%); highest among the groups gnomAD compares: African/African-American, 0.0013%; no homozygotes.

Submission:

GeneDx
Classification: Uncertain significance. Last evaluated: 2024-12-26. Review status: criteria provided, single submitter. Criteria: GeneDx Variant Classification Process June 2021. Collection method: clinical testing. Allele origin: germline.
Comment: Not observed at significant frequency in large population cohorts (gnomAD); In silico analysis supports that this missense variant has a deleterious effect on protein structure/function; Has not been previously published as pathogenic or benign to our knowledge; Not located in the triple helical region, where the majority of pathogenic missense variants occur (HGMD)